The following is an entry in ClinVar:

ClinVar aggregate classification (germline): Likely pathogenic. Review status: criteria provided, multiple submitters, no conflicts (2 of 4 stars). 3 submissions from 3 submitters: Likely pathogenic (3). Last evaluated 2025-10-29.

Conditions:
Pontocerebellar hypoplasia type 6 (PCH6). Identifiers: Orphanet 166073, MedGen C1969084, MONDO:0012683, OMIM 611523.

gnomAD v4.1: 3 of 1,497,364 alleles (0.0002%); highest among the groups gnomAD compares: African/African-American, 0.0041%; no homozygotes.

Submissions (3):

Natera, Inc.
Classification: Likely pathogenic for Pontocerebellar hypoplasia, type 6. Last evaluated: 2025-10-29. Review status: criteria provided, single submitter. Criteria: Natera Variant Classification Schema (03/2026). Collection method: clinical testing. Allele origin: germline.
Comment: The c.878+5G>T variant in RARS2 is an intronic variant located outside the canonical splice sites. This variant is rare in the general population with a frequency below the threshold expected for the associated phenotype(s). This variant has been observed in one or more individuals affected with the associated recessive disease, as either homozygous or compound heterozygous with a second variant (PMID: 26970947). Additionally, this variant has been observed to segregate in affected family members (PMID: 26970947). Computational prediction algorithms indicate this variant is likely to affect gene or protein function. Given the available evidence, this variant is classified as Likely Pathogenic.

Baylor Genetics
Classification: Likely pathogenic for Pontocerebellar hypoplasia type 6. Last evaluated: 2023-07-07. Review status: criteria provided, single submitter. Criteria: ACMG Guidelines, 2015. Collection method: clinical testing. Allele origin: unknown.

Labcorp Genetics (formerly Invitae), Labcorp
Classification: Likely pathogenic. Last evaluated: 2022-10-23. Review status: criteria provided, single submitter. Criteria: Invitae Variant Classification Sherloc (09022015). Collection method: clinical testing. Allele origin: germline.
Comment: This sequence change falls in intron 10 of the RARS2 gene. It does not directly change the encoded amino acid sequence of the RARS2 protein. It affects a nucleotide within the consensus splice site. This variant is not present in population databases (gnomAD no frequency). This variant has been observed in individual(s) with RARS2-related conditions (PMID: 26970947). In at least one individual the data is consistent with being in trans (on the opposite chromosome) from a pathogenic variant. It has also been observed to segregate with disease in related individuals. Variants that disrupt the consensus splice site are a relatively common cause of aberrant splicing (PMID: 17576681, 9536098). Algorithms developed to predict the effect of sequence changes on RNA splicing suggest that this variant may disrupt the consensus splice site. In summary, the currently available evidence indicates that the variant is pathogenic, but additional data are needed to prove that conclusively. Therefore, this variant has been classified as Likely Pathogenic.

Literature cited by the submitters: PubMed 26970947 (cited by Natera, Inc. and Labcorp Genetics (formerly Invitae), Labcorp); PubMed 17576681 (cited by Labcorp Genetics (formerly Invitae), Labcorp); PubMed 9536098 (cited by Labcorp Genetics (formerly Invitae), Labcorp).

NM_020320.5(RARS2):c.878+5G>T

Gene: RARS2 (arginyl-tRNA synthetase 2, mitochondrial; minus strand). Cytogenetic location: 6q15.
Variant type: single nucleotide variant.
Coding change: c.878+5G>T on transcript NM_020320.5 (MANE Select); 5 bases into the intron after coding-DNA position 878, G replaced by T.
Molecular consequence: intron variant.
Genome position (GRCh38, 1-based): chr6:87,529,537, C>A on the plus strand (G>T on the coding strand, the complement: RARS2 is on the minus strand). VCF-style: chr6-87529537-C-A. GRCh37 (hg19) VCF-style: chr6-88239255-C-A.
Other names: c.878+5G>T (NM_001350505.2, NM_020320.4); c.353+5G>T (NM_001350509.2, NM_001318785.2, NM_001350506.2 and 4 more transcripts).
Identifiers: ClinVar variation 2152015 (VCV002152015.6), dbSNP rs770750240, ClinGen allele CA645557717.